The following is an entry in ClinVar:

ClinVar aggregate classification (germline): Uncertain significance (1 of 4 stars; one submission).

Conditions:
Kabuki syndrome. Also called: NIIKAWA-KUROKI SYNDROME; Kabuki make-up syndrome. Identifiers: Orphanet 2322, MedGen C0796004, MONDO:0016512.

Submission:

Labcorp Genetics (formerly Invitae), Labcorp
Classification: Uncertain significance for Kabuki syndrome. Last evaluated: 2024-09-14. Review status: criteria provided, single submitter. Criteria: Invitae Variant Classification Sherloc (09022015). Collection method: clinical testing. Allele origin: germline.
Comment: This sequence change replaces serine, which is neutral and polar, with leucine, which is neutral and non-polar, at codon 4359 of the KMT2D protein (p.Ser4359Leu). This variant is not present in population databases (gnomAD no frequency). This variant has not been reported in the literature in individuals affected with KMT2D-related conditions. Invitae Evidence Modeling of protein sequence and biophysical properties (such as structural, functional, and spatial information, amino acid conservation, physicochemical variation, residue mobility, and thermodynamic stability) indicates that this missense variant is not expected to disrupt KMT2D protein function with a negative predictive value of 95%. In summary, the available evidence is currently insufficient to determine the role of this variant in disease. Therefore, it has been classified as a Variant of Uncertain Significance.

NM_003482.4(KMT2D):c.13076C>T (p.Ser4359Leu)

Gene: KMT2D (lysine methyltransferase 2D; minus strand). Cytogenetic location: 12q13.12.
Variant type: single nucleotide variant.
Coding change: c.13076C>T on transcript NM_003482.4 (MANE Select); coding-DNA position 13076, C replaced by T.
Protein change: p.Ser4359Leu; replaces serine 4359 with leucine.
Molecular consequence: missense variant.
Genome position (GRCh38, 1-based): chr12:49,031,629, G>A on the plus strand (C>T on the coding strand, the complement: KMT2D is on the minus strand). VCF-style: chr12-49031629-G-A. GRCh37 (hg19) VCF-style: chr12-49425412-G-A.
Other names: short protein forms S4359L.
Identifiers: ClinVar variation 3675915 (VCV003675915.1).